The following is an entry in ClinVar:

ClinVar aggregate classification (germline): Uncertain significance. Review status: criteria provided, multiple submitters, no conflicts (2 of 4 stars). 2 submissions from 2 submitters: Uncertain significance (2). Last evaluated 2025-05-30.

Conditions:
Inborn genetic diseases. Identifiers: MedGen C0950123, MeSH D030342.

Allele frequency attached by ClinVar (database versions not stated): ExAC 0.00001; gnomAD exomes 0.00001 and 0.00002; gnomAD 0.00002.
gnomAD v4.1: 14 of 1,613,716 alleles (0.00087%); highest among the groups gnomAD compares: Admixed American, 0.01%; no homozygotes.

Submissions (2):

Labcorp Genetics (formerly Invitae), Labcorp
Classification: Uncertain significance. Last evaluated: 2025-05-30. Review status: criteria provided, single submitter. Criteria: Invitae Variant Classification Sherloc (09022015). Collection method: clinical testing. Allele origin: germline.
Comment: This sequence change replaces asparagine, which is neutral and polar, with histidine, which is basic and polar, at codon 9 of the DNM1L protein (p.Asn9His). This variant is present in population databases (rs781103166, gnomAD 0.009%). This variant has not been reported in the literature in individuals affected with DNM1L-related conditions. ClinVar contains an entry for this variant (Variation ID: 1402420). An algorithm developed to predict the effect of missense changes on protein structure and function (PolyPhen-2) suggests that this variant is likely to be disruptive. In summary, the available evidence is currently insufficient to determine the role of this variant in disease. Therefore, it has been classified as a Variant of Uncertain Significance.

Ambry Genetics
Classification: Uncertain significance for Inborn genetic diseases. Last evaluated: 2025-04-29. Review status: criteria provided, single submitter. Criteria: Ambry Variant Classification Scheme 2023. Collection method: clinical testing. Allele origin: germline.

NM_012062.5(DNM1L):c.25A>C (p.Asn9His)

Gene: DNM1L (dynamin 1 like; plus strand). Cytogenetic location: 12p11.21.
Variant type: single nucleotide variant.
Coding change: c.25A>C on transcript NM_012062.5 (MANE Select); coding-DNA position 25, A replaced by C.
Protein change: p.Asn9His; replaces asparagine 9 with histidine.
Molecular consequence: missense variant. On other transcripts: 5 prime UTR variant (1).
Genome position (GRCh38, 1-based): chr12:32,679,388, A>C. VCF-style: chr12-32679388-A-C. GRCh37 (hg19) VCF-style: chr12-32832322-A-C.
Other names: c.25A>C (NM_012062.3); c.25A>C, p.Asn9His (NM_001278463.2, NM_001278464.2, NM_001278465.2 and 3 more transcripts); c.-181A>C (NM_001278466.2); short protein forms N9H.
Identifiers: ClinVar variation 1402420 (VCV001402420.8), dbSNP rs781103166, ClinGen allele CA6507214.